The following is an entry in ClinVar:

ClinVar aggregate classification (germline): Uncertain significance. Review status: criteria provided, multiple submitters, no conflicts (2 of 4 stars). 2 submissions from 2 submitters: Uncertain significance (2). Last evaluated 2025-03-25.

Conditions:
Bardet-Biedl syndrome (BBS). Identifiers: Orphanet 110, MedGen C0752166, MONDO:0015229.
TRIM32-related disorder. Also called: TRIM32-related condition.

Allele frequency attached by ClinVar (database versions not stated): gnomAD exomes 0.00001.
gnomAD v4.1: 6 of 1,614,082 alleles (0.00037%); highest among the groups gnomAD compares: Admixed American, 0.0083%; no homozygotes.

Submissions (2):

PreventionGenetics, part of Exact Sciences
Classification: Uncertain significance for TRIM32-related condition. Last evaluated: 2025-03-25. Review status: criteria provided, single submitter. Criteria: ACMG Guidelines, 2015. Collection method: clinical testing. Allele origin: germline.
Comment: The TRIM32 c.1888C>G variant is predicted to result in the amino acid substitution p.Leu630Val. To our knowledge, this variant has not been reported in the literature. This variant is reported in 0.0087% of alleles in individuals of Latino descent in gnomAD. At this time, the clinical significance of this variant is uncertain due to the absence of conclusive functional and genetic evidence.

Labcorp Genetics (formerly Invitae), Labcorp
Classification: Uncertain significance for Bardet-Biedl syndrome. Last evaluated: 2022-07-06. Review status: criteria provided, single submitter. Criteria: Invitae Variant Classification Sherloc (09022015). Collection method: clinical testing. Allele origin: germline.
Comment: This sequence change replaces leucine, which is neutral and non-polar, with valine, which is neutral and non-polar, at codon 630 of the TRIM32 protein (p.Leu630Val). This variant is present in population databases (no rsID available, gnomAD 0.009%). This variant has not been reported in the literature in individuals affected with TRIM32-related conditions. Algorithms developed to predict the effect of missense changes on protein structure and function (SIFT, PolyPhen-2, Align-GVGD) all suggest that this variant is likely to be disruptive. In summary, the available evidence is currently insufficient to determine the role of this variant in disease. Therefore, it has been classified as a Variant of Uncertain Significance.

NM_012210.4(TRIM32):c.1888C>G (p.Leu630Val)

Genes: ASTN2 (astrotactin 2; minus strand), TRIM32 (tripartite motif containing 32; plus strand). Cytogenetic location: 9q33.1.
Variant type: single nucleotide variant.
Coding change: c.1888C>G on transcript NM_012210.4 (MANE Select); coding-DNA position 1888, C replaced by G.
Protein change: p.Leu630Val; replaces leucine 630 with valine.
Molecular consequence: missense variant. On other transcripts: intron variant (3).
Genome position (GRCh38, 1-based): chr9:116,699,630, C>G. VCF-style: chr9-116699630-C-G. GRCh37 (hg19) VCF-style: chr9-119461909-C-G.
Other names: c.1888C>G, p.Leu630Val (NM_001099679.2, NM_001379048.1, NM_001379049.1 and 1 more transcripts); c.2653+26141G>C (NM_014010.5); c.2794+26141G>C (NM_001365069.1); c.2806+26141G>C (NM_001365068.1); short protein forms L630V.
Identifiers: ClinVar variation 2062689 (VCV002062689.2), dbSNP rs1472220331, ClinGen allele CA374652647.
Genomic context (GRCh38, chr9:116,699,630, plus strand): 5'-GTCCTTATTCGAGAGGGACTTACCTGTCCGGTGGGCATAGCCCTAACTCCTAAGGGGCAG[C>G]TGCTGGTCTTGGACTGTTGGGATCATTGCATCAAGATCTACAGCTACCATCTGAGAAGAT-3'
Protein context (NP_036342.2, residues 620-640): VGIALTPKGQ[Leu630Val]LVLDCWDHCI